The following is an entry in ClinVar:

NM_152415.3(VPS37A):c.787A>C (p.Lys263Gln)

Gene: VPS37A (VPS37A subunit of ESCRT-I; plus strand). Cytogenetic location: 8p22.
Variant type: single nucleotide variant.
Coding change: c.787A>C on transcript NM_152415.3 (MANE Select); coding-DNA position 787, A replaced by C.
Protein change: p.Lys263Gln; replaces lysine 263 with glutamine.
Molecular consequence: missense variant.
Genome position (GRCh38, 1-based): chr8:17,280,101, A>C. VCF-style: chr8-17280101-A-C. GRCh37 (hg19) VCF-style: chr8-17137610-A-C.
Other names: c.712A>C, p.Lys238Gln (NM_001145152.2); c.787A>C, p.Lys263Gln (NM_001363167.1, NM_001363173.2); c.517A>C, p.Lys173Gln (NM_001363168.1, NM_001363169.1, NM_001363170.1 and 2 more transcripts); short protein forms K263Q, K238Q, K173Q.
Identifiers: ClinVar variation 569194 (VCV000569194.9), dbSNP rs199781923, ClinGen allele CA4643497.

ClinVar aggregate classification (germline): Uncertain significance. Review status: criteria provided, multiple submitters, no conflicts (2 of 4 stars). 2 submissions from 2 submitters: Uncertain significance (2). Last evaluated 2025-01-27.

Conditions:
Hereditary spastic paraplegia 53. Also called: Spastic paraplegia 53, autosomal recessive. Identifiers: Orphanet 319199, MedGen C3539494, MONDO:0013962, OMIM 614898.

Allele frequency attached by ClinVar (database versions not stated): ExAC 0.00002; gnomAD 0.00003 and 0.00004; gnomAD exomes 0.00004; TOPMed 0.00006; ESP Exome Variant Server 0.00008.
gnomAD v4.1: 72 of 1,612,670 alleles (0.0045%); highest among the groups gnomAD compares: Middle Eastern, 0.069%; no homozygotes.

Submissions (2):

Ambry Genetics
Classification: Uncertain significance. Last evaluated: 2025-01-27. Review status: criteria provided, single submitter. Criteria: Ambry Variant Classification Scheme 2023. Collection method: clinical testing. Allele origin: germline.

Labcorp Genetics (formerly Invitae), Labcorp
Classification: Uncertain significance for Hereditary spastic paraplegia 53. Last evaluated: 2024-12-07. Review status: criteria provided, single submitter. Criteria: Invitae Variant Classification Sherloc (09022015). Collection method: clinical testing. Allele origin: germline.
Comment: This sequence change replaces lysine, which is basic and polar, with glutamine, which is neutral and polar, at codon 263 of the VPS37A protein (p.Lys263Gln). This variant is present in population databases (rs199781923, gnomAD 0.006%). This variant has not been reported in the literature in individuals affected with VPS37A-related conditions. ClinVar contains an entry for this variant (Variation ID: 569194). Invitae Evidence Modeling of protein sequence and biophysical properties (such as structural, functional, and spatial information, amino acid conservation, physicochemical variation, residue mobility, and thermodynamic stability) indicates that this missense variant is not expected to disrupt VPS37A protein function with a negative predictive value of 80%. In summary, the available evidence is currently insufficient to determine the role of this variant in disease. Therefore, it has been classified as a Variant of Uncertain Significance.